The following is an entry in ClinVar:

ClinVar aggregate classification (germline): Pathogenic (1 of 4 stars; one submission).

Conditions:
Kleefstra syndrome 1 (KLEFS1). Identifiers: Orphanet 261494, MedGen C0795833, MONDO:0027407, OMIM 610253.

Submission:

Labcorp Genetics (formerly Invitae), Labcorp
Classification: Pathogenic for Kleefstra syndrome 1. Last evaluated: 2022-09-25. Review status: criteria provided, single submitter. Criteria: Invitae Variant Classification Sherloc (09022015). Collection method: clinical testing. Allele origin: germline.
Comment: This variant has not been reported in the literature in individuals affected with EHMT1-related conditions. For these reasons, this variant has been classified as Pathogenic. This variant is not present in population databases (gnomAD no frequency). This sequence change creates a premature translational stop signal (p.Ser353*) in the EHMT1 gene. It is expected to result in an absent or disrupted protein product. Loss-of-function variants in EHMT1 are known to be pathogenic (PMID: 16826528, 19264732).

Literature cited by the submitters: PubMed 16826528; PubMed 19264732.

NM_024757.5(EHMT1):c.1058C>G (p.Ser353Ter)

Gene: EHMT1 (euchromatic histone lysine methyltransferase 1; plus strand). Cytogenetic location: 9q34.3.
Variant type: single nucleotide variant.
Coding change: c.1058C>G on transcript NM_024757.5 (MANE Select); coding-DNA position 1058, C replaced by G.
Protein change: p.Ser353Ter; replaces serine 353 with a stop codon.
Molecular consequence: nonsense.
Genome position (GRCh38, 1-based): chr9:137,743,978, C>G. VCF-style: chr9-137743978-C-G. GRCh37 (hg19) VCF-style: chr9-140638430-C-G.
Other names: c.1058C>G, p.Ser353Ter (NM_001145527.2, NM_001354611.2); c.965C>G, p.Ser322Ter (NM_001354259.2, NM_001354612.2); c.1037C>G, p.Ser346Ter (NM_001354263.2); short protein forms S322*, S346*, S353*.
Identifiers: ClinVar variation 2030999 (VCV002030999.4), dbSNP rs2541617604, ClinGen allele CA375779357.